The following is an entry in ClinVar:

NM_181882.3(PRX):c.3111del (p.Glu1037fs)

Gene: PRX (periaxin; minus strand). Cytogenetic location: 19q13.2.
Variant type: Deletion.
Coding change: c.3111del on transcript NM_181882.3 (MANE Select); coding-DNA position 3111, one base deleted (A; older notation c.3111delA).
Protein change: p.Glu1037fs; shifts the reading frame from glutamic acid 1037.
Molecular consequence: frameshift variant. On other transcripts: 3 prime UTR variant (1).
Genome position (GRCh38, 1-based): chr19:40,395,241, T deleted on the plus strand (A on the coding strand, the reverse complement: PRX is on the minus strand); the first of 2 consecutive T bases (chr19:40,395,241-40,395,242); deleting either gives the same sequence. VCF-style (leftmost placement, unchanged base first): chr19-40395240-GT-G. GRCh37 (hg19) VCF-style: chr19-40901147-GT-G.
Other names: c.3396del, p.Glu1132fs (NM_001411127.1); c.*3316del (NM_020956.2); short protein forms E1037fs, E1132fs.
Identifiers: ClinVar variation 4281387 (VCV004281387.7).
Genomic context (GRCh38, chr19:40,395,240, plus strand): 5'-TCTTCACCCTCCCATCCCAGCCCCAGCCCTTGCCCTCCAACTCAGCCACCCCTGGCACTA[GT>G]TCTGCTGCCTCAGTGTCCCGGCCTCTGACCCCAAACTTGGGGAGAGCAAACCTGGGCCCC-3'

ClinVar aggregate classification (germline): Likely pathogenic (1 of 4 stars; one submission).

Submission:

CeGaT Center for Human Genetics Tuebingen
Classification: Likely pathogenic. Last evaluated: 2025-09-01. Review status: criteria provided, single submitter. Criteria: CeGaT Center For Human Genetics Tuebingen Variant Classification Criteria Version 2. Collection method: clinical testing. Allele origin: germline. Affected: yes. Observed: 1 variant allele.
Comment: PRX: PVS1:Strong, PM2